The following is an entry in ClinVar:

ClinVar aggregate classification (germline): Uncertain significance (1 of 4 stars; one submission).

Conditions:
Hereditary sensory neuropathy-deafness-dementia syndrome. Also called: Hereditary sensory neuropathy type IE; NEUROPATHY, HEREDITARY SENSORY, WITH HEARING LOSS AND DEMENTIA; HSN IE; Hereditary Sensory and Autonomic Neuropathy Type 1E (HSAN1E). Identifiers: Orphanet 456318, MedGen C3279885, MONDO:0013584, OMIM 614116.

Allele frequency attached by ClinVar (database versions not stated): TOPMed 0.00003; ExAC 0.00005.
gnomAD v4.1: 66 of 1,611,506 alleles (0.0041%); highest among the groups gnomAD compares: South Asian, 0.056%; no homozygotes.

Submission:

Labcorp Genetics (formerly Invitae), Labcorp
Classification: Uncertain significance for Hereditary sensory neuropathy-deafness-dementia syndrome. Last evaluated: 2023-08-31. Review status: criteria provided, single submitter. Criteria: Invitae Variant Classification Sherloc (09022015). Collection method: clinical testing. Allele origin: germline.
Comment: ClinVar contains an entry for this variant (Variation ID: 955499). This variant is present in population databases (rs764561233, gnomAD 0.03%). This variant has not been reported in the literature in individuals affected with DNMT1-related conditions. This sequence change replaces arginine, which is basic and polar, with cysteine, which is neutral and slightly polar, at codon 149 of the DNMT1 protein (p.Arg149Cys). Algorithms developed to predict the effect of missense changes on protein structure and function output the following: SIFT: "Not Available"; PolyPhen-2: "Benign"; Align-GVGD: "Not Available". The cysteine amino acid residue is found in multiple mammalian species, which suggests that this missense change does not adversely affect protein function. In summary, the available evidence is currently insufficient to determine the role of this variant in disease. Therefore, it has been classified as a Variant of Uncertain Significance.

NM_001130823.3(DNMT1):c.445C>T (p.Arg149Cys)

Gene: DNMT1 (DNA methyltransferase 1; minus strand). Cytogenetic location: 19p13.2.
Variant type: single nucleotide variant.
Coding change: c.445C>T on transcript NM_001130823.3 (MANE Select); coding-DNA position 445, C replaced by T.
Protein change: p.Arg149Cys; replaces arginine 149 with cysteine.
Molecular consequence: missense variant.
Genome position (GRCh38, 1-based): chr19:10,180,350, G>A on the plus strand (C>T on the coding strand, the complement: DNMT1 is on the minus strand). VCF-style: chr19-10180350-G-A. GRCh37 (hg19) VCF-style: chr19-10291026-G-A.
Other names: c.445C>T, p.Pro149Ser (NM_001318730.2, NM_001379.4); c.82C>T, p.Arg28Cys (NM_001318731.2); short protein forms R149C, R28C, P149S.
Identifiers: ClinVar variation 955499 (VCV000955499.9), dbSNP rs764561233, ClinGen allele CA9188753.